The following is an entry in ClinVar:

ClinVar aggregate classification (germline): Uncertain significance (1 of 4 stars; one submission).

Conditions:
Hereditary cancer-predisposing syndrome. Also called: Hereditary Cancer Syndrome; Hereditary neoplastic syndrome; Neoplastic Syndromes, Hereditary; Tumor predisposition. Identifiers: Orphanet 140162, MedGen C0027672, MeSH D009386, MONDO:0015356.

Allele frequency attached by ClinVar (database versions not stated): gnomAD exomes below 0.00001.
gnomAD v4.1: 1 of 1,608,666 alleles (0.000062%); highest among the groups gnomAD compares: Non-Finnish European, 0.000085%; no homozygotes.

Submission:

Ambry Genetics
Classification: Uncertain significance for Hereditary cancer-predisposing syndrome. Last evaluated: 2023-04-07. Review status: criteria provided, single submitter. Criteria: Ambry Variant Classification Scheme 2023. Collection method: clinical testing. Allele origin: germline.
Comment: The p.E309A variant (also known as c.926A>C), located in coding exon 8 of the NBN gene, results from an A to C substitution at nucleotide position 926. The glutamic acid at codon 309 is replaced by alanine, an amino acid with dissimilar properties. This amino acid position is highly conserved in available vertebrate species. In addition, this alteration is predicted to be deleterious by in silico analysis. Since supporting evidence is limited at this time, the clinical significance of this alteration remains unclear.

NM_002485.5(NBN):c.926A>C (p.Glu309Ala)

Gene: NBN (nibrin; minus strand). Cytogenetic location: 8q21.3.
Variant type: single nucleotide variant.
Coding change: c.926A>C on transcript NM_002485.5 (MANE Select); coding-DNA position 926, A replaced by C.
Protein change: p.Glu309Ala; replaces glutamic acid 309 with alanine.
Molecular consequence: missense variant.
Genome position (GRCh38, 1-based): chr8:89,964,478, T>G on the plus strand (A>C on the coding strand, the complement: NBN is on the minus strand). VCF-style: chr8-89964478-T-G. GRCh37 (hg19) VCF-style: chr8-90976706-T-G.
Other names: c.680A>C, p.Glu227Ala (NM_001024688.3); short protein forms E227A, E309A.
Identifiers: ClinVar variation 1766383 (VCV001766383.3), dbSNP rs2488284895, ClinGen allele CA371657062.